The following is an entry in ClinVar:

ClinVar aggregate classification (germline): Uncertain significance (1 of 4 stars; one submission).

Conditions:
PHIP-related disorder. Also called: PHIP-related condition; PHIP-related disorders.

Submission:

PreventionGenetics, part of Exact Sciences
Classification: Uncertain significance for PHIP-related condition. Last evaluated: 2024-12-18. Review status: criteria provided, single submitter. Criteria: ACMG Guidelines, 2015. Collection method: clinical testing. Allele origin: germline.
Comment: The PHIP c.3977A>C variant is predicted to result in the amino acid substitution p.Glu1326Ala. To our knowledge, this variant has not been reported in the literature or in a large population database (gnomAD), indicating this variant is rare. At this time, the clinical significance of this variant is uncertain due to the absence of conclusive functional and genetic evidence.

NM_017934.7(PHIP):c.3977A>C (p.Glu1326Ala)

Genes: IRAK1BP1 (interleukin 1 receptor associated kinase 1 binding protein 1; plus strand), PHIP (PHIP subunit of CUL4-Ring ligase complex; minus strand). Cytogenetic location: 6q14.1.
Variant type: single nucleotide variant.
Coding change: c.3977A>C on transcript NM_017934.7 (MANE Select); coding-DNA position 3977, A replaced by C.
Protein change: p.Glu1326Ala; replaces glutamic acid 1326 with alanine.
Molecular consequence: missense variant.
Genome position (GRCh38, 1-based): chr6:78,954,890, T>G on the plus strand (A>C on the coding strand, the complement: PHIP is on the minus strand). VCF-style: chr6-78954890-T-G. GRCh37 (hg19) VCF-style: chr6-79664607-T-G.
Other names: short protein forms E1326A.
Identifiers: ClinVar variation 5002286 (VCV005002286.1).